The following is an entry in ClinVar:

ClinVar aggregate classification (germline): Uncertain significance. Review status: criteria provided, multiple submitters, no conflicts (2 of 4 stars). 3 submissions from 3 submitters: Uncertain significance (3). Last evaluated 2026-02-27.

Conditions:
Epilepsy, familial focal, with variable foci 3 (FFEVF3). Identifiers: MedGen C4310708, MONDO:0014925, OMIM 617118.
Inborn genetic diseases. Identifiers: MedGen C0950123, MeSH D030342.

Allele frequency attached by ClinVar (database versions not stated): gnomAD exomes 0.00002 and 0.00003; TOPMed 0.00002; gnomAD 0.00003 and 0.00004.
gnomAD v4.1: 45 of 1,557,094 alleles (0.0029%); highest among the groups gnomAD compares: Non-Finnish European, 0.0039%; no homozygotes.

Submissions (3):

Ambry Genetics
Classification: Uncertain significance for Inborn genetic diseases. Last evaluated: 2026-02-27. Review status: criteria provided, single submitter. Criteria: Ambry Variant Classification Scheme 2023. Collection method: clinical testing. Allele origin: germline.
Comment: The c.943C>T (p.H315Y) alteration is located in exon 10 (coding exon 9) of the NPRL3 gene. This alteration results from a C to T substitution at nucleotide position 943, causing the histidine (H) at amino acid position 315 to be replaced by a tyrosine (Y). Based on data from gnomAD, the T allele has an overall frequency of 0.003% (5/195462) total alleles studied. The highest observed frequency was 0.006% (5/81634) of European (non-Finnish) alleles. Based on insufficient or conflicting evidence, the clinical significance of this alteration remains unclear.

GeneDx
Classification: Uncertain significance. Last evaluated: 2025-08-09. Review status: criteria provided, single submitter. Criteria: GeneDx Variant Classification Process June 2021. Collection method: clinical testing. Allele origin: germline. Affected: yes.
Comment: In silico analysis supports that this missense variant has a deleterious effect on protein structure/function; Has not been previously published as pathogenic or benign to our knowledge

Labcorp Genetics (formerly Invitae), Labcorp
Classification: Uncertain significance for Epilepsy, familial focal, with variable foci 3. Last evaluated: 2025-05-27. Review status: criteria provided, single submitter. Criteria: Invitae Variant Classification Sherloc (09022015). Collection method: clinical testing. Allele origin: germline.
Comment: This sequence change replaces histidine, which is basic and polar, with tyrosine, which is neutral and polar, at codon 315 of the NPRL3 protein (p.His315Tyr). This variant is present in population databases (rs772044858, gnomAD 0.006%). This variant has not been reported in the literature in individuals affected with NPRL3-related conditions. ClinVar contains an entry for this variant (Variation ID: 1063723). Invitae Evidence Modeling of protein sequence and biophysical properties (such as structural, functional, and spatial information, amino acid conservation, physicochemical variation, residue mobility, and thermodynamic stability) indicates that this missense variant is expected to disrupt NPRL3 protein function with a positive predictive value of 80%. In summary, the available evidence is currently insufficient to determine the role of this variant in disease. Therefore, it has been classified as a Variant of Uncertain Significance.

NM_001077350.3(NPRL3):c.943C>T (p.His315Tyr)

Genes: HBA-LCR (alpha-globin locus control region; plus strand), NPRL3 (NPR3 like, GATOR1 complex subunit; minus strand). Cytogenetic location: 16p13.3.
Variant type: single nucleotide variant.
Coding change: c.943C>T on transcript NM_001077350.3 (MANE Select); coding-DNA position 943, C replaced by T.
Protein change: p.His315Tyr; replaces histidine 315 with tyrosine.
Molecular consequence: missense variant.
Genome position (GRCh38, 1-based): chr16:93,307, G>A on the plus strand (C>T on the coding strand, the complement: NPRL3 is on the minus strand). VCF-style: chr16-93307-G-A. GRCh37 (hg19) VCF-style: chr16-143305-G-A.
Other names: c.406C>T, p.His136Tyr (NM_001039476.3); c.709C>T, p.His237Tyr (NM_001243247.2); c.868C>T, p.His290Tyr (NM_001243248.2, NM_001243249.2); c.943C>T (NM_001077350.2); short protein forms H136Y, H237Y, H290Y, H315Y.
Identifiers: ClinVar variation 1063723 (VCV001063723.11), dbSNP rs772044858, ClinGen allele CA7769495.